The following is an entry in ClinVar:

ClinVar aggregate classification (germline): Uncertain significance. Review status: criteria provided, multiple submitters, no conflicts (2 of 4 stars). 2 submissions from 2 submitters: Uncertain significance (2). Last evaluated 2025-01-13.

Conditions:
Inborn genetic diseases. Identifiers: MedGen C0950123, MeSH D030342.

Submissions (2):

Ambry Genetics
Classification: Uncertain significance for Inborn genetic diseases. Last evaluated: 2025-01-13. Review status: criteria provided, single submitter. Criteria: Ambry Variant Classification Scheme 2023. Collection method: clinical testing. Allele origin: germline.
Comment: The p.L425F variant (also known as c.1273C>T), located in coding exon 12 of the DDX41 gene, results from a C to T substitution at nucleotide position 1273. The leucine at codon 425 is replaced by phenylalanine, an amino acid with highly similar properties. This amino acid position is conserved. In addition, this alteration is predicted to be deleterious by in silico analysis. Based on the available evidence, the clinical significance of this variant remains unclear.

Labcorp Genetics (formerly Invitae), Labcorp
Classification: Uncertain significance. Last evaluated: 2024-01-12. Review status: criteria provided, single submitter. Criteria: Invitae Variant Classification Sherloc (09022015). Collection method: clinical testing. Allele origin: germline.
Comment: This sequence change replaces leucine, which is neutral and non-polar, with phenylalanine, which is neutral and non-polar, at codon 425 of the DDX41 protein (p.Leu425Phe). This variant is not present in population databases (gnomAD no frequency). This variant has not been reported in the literature in individuals affected with DDX41-related conditions. An algorithm developed to predict the effect of missense changes on protein structure and function (PolyPhen-2) suggests that this variant is likely to be tolerated. In summary, the available evidence is currently insufficient to determine the role of this variant in disease. Therefore, it has been classified as a Variant of Uncertain Significance.

NM_016222.4(DDX41):c.1273C>T (p.Leu425Phe)

Gene: DDX41 (DEAD-box helicase 41; minus strand). Cytogenetic location: 5q35.3.
Variant type: single nucleotide variant.
Coding change: c.1273C>T on transcript NM_016222.4 (MANE Select); coding-DNA position 1273, C replaced by T.
Protein change: p.Leu425Phe; replaces leucine 425 with phenylalanine.
Molecular consequence: missense variant.
Genome position (GRCh38, 1-based): chr5:177,513,040, G>A on the plus strand (C>T on the coding strand, the complement: DDX41 is on the minus strand). VCF-style: chr5-177513040-G-A. GRCh37 (hg19) VCF-style: chr5-176940041-G-A.
Other names: c.895C>T, p.Leu299Phe (NM_001321732.2, NM_001321830.2); c.1273C>T (NM_016222.2); short protein forms L425F, L299F.
Identifiers: ClinVar variation 2704359 (VCV002704359.4), dbSNP rs2532077626, ClinGen allele CA362373524.